The following is an entry in ClinVar:

ClinVar aggregate classification (germline): Benign (0 of 4 stars; one submission).

Conditions:
MAP3K6-related disorder. Also called: MAP3K6-related condition.

Allele frequency attached by ClinVar (database versions not stated): gnomAD exomes 0.03874; ExAC 0.04653; gnomAD 0.08579; 1000 Genomes Project 0.08926; ESP Exome Variant Server 0.09234; 1000 Genomes Project 30x 0.09432; TOPMed 0.09631.
gnomAD v4.1: 70,310 of 1,613,976 alleles (4.4%); highest among the groups gnomAD compares: African/African-American, 22%; 3,011 homozygotes.

Submission:

PreventionGenetics, part of Exact Sciences
Classification: Benign for MAP3K6-related condition. Last evaluated: 2019-04-24. Review status: no assertion criteria provided. Collection method: clinical testing. Allele origin: germline.
Comment: This variant is classified as benign based on ACMG/AMP sequence variant interpretation guidelines (Richards et al. 2015 PMID: 25741868, with internal and published modifications).

NM_004672.5(MAP3K6):c.3698G>C (p.Gly1233Ala)

Gene: MAP3K6 (mitogen-activated protein kinase kinase kinase 6; minus strand). Cytogenetic location: 1p36.11.
Variant type: single nucleotide variant.
Coding change: c.3698G>C on transcript NM_004672.5 (MANE Select); coding-DNA position 3698, G replaced by C.
Protein change: p.Gly1233Ala; replaces glycine 1233 with alanine.
Molecular consequence: missense variant.
Genome position (GRCh38, 1-based): chr1:27,356,039, C>G on the plus strand (G>C on the coding strand, the complement: MAP3K6 is on the minus strand). VCF-style: chr1-27356039-C-G. GRCh37 (hg19) VCF-style: chr1-27682530-C-G.
Other names: c.3674G>C, p.Gly1225Ala (NM_001297609.2); short protein forms G1225A, G1233A.
Identifiers: ClinVar variation 3055994 (VCV003055994.2), dbSNP rs17162549, ClinGen allele CA712969.